The following is an entry in ClinVar:

ClinVar aggregate classification (germline): Uncertain significance. Review status: criteria provided, multiple submitters, no conflicts (2 of 4 stars). 2 submissions from 2 submitters: Uncertain significance (2). Last evaluated 2026-01-26.

Conditions:
Familial cancer of breast. Also called: BREAST CANCER, FAMILIAL; Hereditary breast cancer; hereditary breast carcinoma. Identifiers: Orphanet 227535, MedGen C0346153, MONDO:0016419, OMIM 114480. Disease mechanism: loss of function.
Hereditary cancer-predisposing syndrome. Also called: Neoplastic Syndromes, Hereditary; Tumor predisposition; Hereditary neoplastic syndrome; Hereditary Cancer Syndrome. Identifiers: Orphanet 140162, MedGen C0027672, MeSH D009386, MONDO:0015356.

Submissions (2):

Labcorp Genetics (formerly Invitae), Labcorp
Classification: Uncertain significance for Familial cancer of breast. Last evaluated: 2026-01-26. Review status: criteria provided, single submitter. Criteria: Invitae Variant Classification Sherloc (09022015). Collection method: clinical testing. Allele origin: germline.
Comment: This sequence change replaces glutamic acid, which is acidic and polar, with glutamine, which is neutral and polar, at codon 54 of the PALB2 protein (p.Glu54Gln). This variant is not present in population databases (gnomAD no frequency). This variant has not been reported in the literature in individuals affected with PALB2-related conditions. ClinVar contains an entry for this variant (Variation ID: 628348). An algorithm developed to predict the effect of missense changes on protein structure and function (PolyPhen-2) suggests that this variant is likely to be disruptive. In summary, the available evidence is currently insufficient to determine the role of this variant in disease. Therefore, it has been classified as a Variant of Uncertain Significance.

Color Diagnostics, LLC DBA Color Health
Classification: Uncertain significance for Hereditary cancer-predisposing syndrome. Last evaluated: 2024-03-07. Review status: criteria provided, single submitter. Criteria: ACMG Guidelines, 2015. Collection method: clinical testing. Allele origin: germline.
Comment: This missense variant replaces glutamic acid with glutamine at codon 54 of the PALB2 protein. Computational prediction is inconclusive regarding the impact of this variant on protein structure and function (internally defined REVEL score threshold 0.5 < inconclusive < 0.7, PMID: 27666373). To our knowledge, functional studies have not been reported for this variant. This variant has not been reported in individuals affected with hereditary cancer in the literature. This variant has not been identified in the general population by the Genome Aggregation Database (gnomAD). The available evidence is insufficient to determine the role of this variant in disease conclusively. Therefore, this variant is classified as a Variant of Uncertain Significance.

NM_024675.4(PALB2):c.160G>C (p.Glu54Gln)

Gene: PALB2 (partner and localizer of BRCA2; minus strand). Cytogenetic location: 16p12.2.
Variant type: single nucleotide variant.
Coding change: c.160G>C on transcript NM_024675.4 (MANE Select); coding-DNA position 160, G replaced by C.
Protein change: p.Glu54Gln; replaces glutamic acid 54 with glutamine.
Molecular consequence: missense variant.
Genome position (GRCh38, 1-based): chr16:23,637,901, C>G on the plus strand (G>C on the coding strand, the complement: PALB2 is on the minus strand). VCF-style: chr16-23637901-C-G. GRCh37 (hg19) VCF-style: chr16-23649222-C-G.
Other names: short protein forms E54Q.
Identifiers: ClinVar variation 628348 (VCV000628348.16), dbSNP rs1567224004, ClinGen allele CA395139196.
Genomic context (GRCh38, chr16:23,637,901, plus strand): 5'-TAGATTTACCTGAGTGTTTTAGCTGCGGTGAGAGATCCTGCTGAGACAAACAATCTTGTT[C>G]TTCTACTGTTTTCTTAATAGAATGCTTAATCTTTTCAGCTCTTTGGGCACGCTAGAGGAG-3'
Protein context (NP_078951.2, residues 44-64): IKHSIKKTVE[Glu54Gln]QDCLSQQDLS